The following is an entry in ClinVar:

NM_006118.4(HAX1):c.450A>C (p.Arg150Ser)

Gene: HAX1 (HCLS1 associated protein X-1; plus strand). Cytogenetic location: 1q21.3.
Variant type: single nucleotide variant.
Coding change: c.450A>C on transcript NM_006118.4 (MANE Select); coding-DNA position 450, A replaced by C.
Protein change: p.Arg150Ser; replaces arginine 150 with serine.
Molecular consequence: missense variant.
Genome position (GRCh38, 1-based): chr1:154,273,907, A>C. VCF-style: chr1-154273907-A-C. GRCh37 (hg19) VCF-style: chr1-154246383-A-C.
Other names: c.306A>C, p.Arg102Ser (NM_001018837.2); short protein forms R150S, R102S.
Identifiers: ClinVar variation 937843 (VCV000937843.10), dbSNP rs1684878785, ClinGen allele CA342592830.

ClinVar aggregate classification (germline): Uncertain significance. Review status: criteria provided, multiple submitters, no conflicts (2 of 4 stars). 2 submissions from 2 submitters: Uncertain significance (2). Last evaluated 2024-12-17.

Conditions:
Inborn genetic diseases. Identifiers: MedGen C0950123, MeSH D030342.
Kostmann syndrome (SCN3). Also called: Autosomal recessive severe congenital neutropenia type 3; KOSTMANN DISEASE. Identifiers: Orphanet 99749, MedGen C5235141, MONDO:0012548, OMIM 610738.

Allele frequency attached by ClinVar (database versions not stated): gnomAD exomes below 0.00001.
gnomAD v4.1: 1 of 1,614,058 alleles (0.000062%); no homozygotes.

Submissions (2):

Ambry Genetics
Classification: Uncertain significance for Inborn genetic diseases. Last evaluated: 2024-12-17. Review status: criteria provided, single submitter. Criteria: Ambry Variant Classification Scheme 2023. Collection method: clinical testing. Allele origin: germline.
Comment: The p.R150S variant (also known as c.450A>C), located in coding exon 3 of the HAX1 gene, results from an A to C substitution at nucleotide position 450. The arginine at codon 150 is replaced by serine, an amino acid with dissimilar properties. This amino acid position is conserved. In addition, this alteration is predicted to be tolerated by in silico analysis. Based on the available evidence, the clinical significance of this variant remains unclear.

Labcorp Genetics (formerly Invitae), Labcorp
Classification: Uncertain significance for Kostmann syndrome. Last evaluated: 2022-07-06. Review status: criteria provided, single submitter. Criteria: Invitae Variant Classification Sherloc (09022015). Collection method: clinical testing. Allele origin: germline.
Comment: This variant is not present in population databases (gnomAD no frequency). This sequence change replaces arginine, which is basic and polar, with serine, which is neutral and polar, at codon 150 of the HAX1 protein (p.Arg150Ser). This variant has not been reported in the literature in individuals affected with HAX1-related conditions. ClinVar contains an entry for this variant (Variation ID: 937843). Algorithms developed to predict the effect of missense changes on protein structure and function (SIFT, PolyPhen-2, Align-GVGD) all suggest that this variant is likely to be tolerated. In summary, the available evidence is currently insufficient to determine the role of this variant in disease. Therefore, it has been classified as a Variant of Uncertain Significance.